The following is an entry in ClinVar:

NM_000240.4(MAOA):c.948G>T (p.Lys316Asn)

Gene: MAOA (monoamine oxidase A; plus strand). Cytogenetic location: Xp11.3.
Variant type: single nucleotide variant.
Coding change: c.948G>T on transcript NM_000240.4 (MANE Select); coding-DNA position 948, G replaced by T.
Protein change: p.Lys316Asn; replaces lysine 316 with asparagine.
Molecular consequence: missense variant.
Genome position (GRCh38, 1-based): chrX:43,731,846, G>T. VCF-style: chrX-43731846-G-T. GRCh37 (hg19) VCF-style: chrX-43591093-G-T.
Other names: c.549G>T, p.Lys183Asn (NM_001270458.2); short protein forms K183N, K316N.
Identifiers: ClinVar variation 3365600 (VCV003365600.3).

ClinVar aggregate classification (germline): Uncertain significance. Review status: criteria provided, multiple submitters, no conflicts (2 of 4 stars). 2 submissions from 2 submitters: Uncertain significance (2). Last evaluated 2026-07-06.

Conditions:
Inborn genetic diseases. Identifiers: MedGen C0950123, MeSH D030342.

Submissions (2):

GeneDx
Classification: Uncertain significance. Last evaluated: 2026-07-06. Review status: criteria provided, single submitter. Criteria: GeneDx Variant Classification Process June 2021. Collection method: clinical testing. Allele origin: germline.
Comment: Not observed at significant frequency in large population cohorts (gnomAD); In silico analysis supports that this missense variant has a deleterious effect on protein structure/function; Has not been previously published as pathogenic or benign to our knowledge

Ambry Genetics
Classification: Uncertain significance for Inborn genetic diseases. Last evaluated: 2024-08-28. Review status: criteria provided, single submitter. Criteria: Ambry Variant Classification Scheme 2023. Collection method: clinical testing. Allele origin: germline.